The following is an entry in ClinVar:

ClinVar aggregate classification (germline): Pathogenic (1 of 4 stars; one submission).

Submission:

GeneDx
Classification: Pathogenic. Last evaluated: 2014-05-27. Review status: criteria provided, single submitter. Criteria: GeneDx Variant Classification (06012015). Collection method: clinical testing. Allele origin: germline. Affected: yes.
Comment: c.1892delT: p.Leu631Stop (L631X) in exon 11 of the HLCS gene (NM_000411.6). The normal sequence with the base that is deleted in braces is: GCCCT{T}AAGA. The c.1892delT mutation in the HLCS gene causes the normal Leucine codon at amino acid position 631 to be changed to a Stop codon, denoted p.Leu631Stop. This mutation is predicted to cause loss of normal protein function either through protein truncation or nonsense-mediated mRNA decay. Mutations in the HLCS gene are associated with the autosomal recessive disorder holocarboxylase synthetase deficiency. Although this mutation has not been previously reported to our knowledge, it is expected to be a pathogenic mutation. The variant is found in MITONUC-MITOP panel(s).

NM_001352514.2(HLCS):c.2333del (p.Pro777_Leu778insTer)

Gene: HLCS (holocarboxylase synthetase; minus strand). Cytogenetic location: 21q22.13.
Variant type: Deletion.
Coding change: c.2333del on transcript NM_001352514.2 (MANE Select); coding-DNA position 2333, one base deleted (T; older notation c.2333delT).
Protein change: p.Pro777_Leu778insTer.
Molecular consequence: nonsense. On other transcripts: non-coding transcript variant (2).
Genome position (GRCh38, 1-based): chr21:36,756,659, A deleted on the plus strand (T on the coding strand, the reverse complement: HLCS is on the minus strand); the first of 2 consecutive A bases (chr21:36,756,659-36,756,660); deleting either gives the same sequence. VCF-style (leftmost placement, unchanged base first): chr21-36756658-TA-T. GRCh37 (hg19) VCF-style: chr21-38128959-TA-T.
Other names: p.L631X:TTA>TAA; c.1892del, p.Pro630_Leu631insTer (NM_000411.8, NM_001242784.3, NM_001242785.2 and 4 more transcripts).
Identifiers: ClinVar variation 203775 (VCV000203775.1), dbSNP rs796051978, ClinGen allele CA312632.